The following is an entry in ClinVar:

NM_182588.3(RGPD4):c.2262C>G (p.Leu754=)

Gene: RGPD4 (RANBP2 like and GRIP domain containing 4; plus strand). Cytogenetic location: 2q12.3.
Variant type: single nucleotide variant.
Coding change: c.2262C>G on transcript NM_182588.3 (MANE Select); coding-DNA position 2262, C replaced by G.
Protein change: p.Leu754=; no amino-acid change (leucine 754 retained).
Molecular consequence: synonymous variant.
Genome position (GRCh38, 1-based): chr2:107,862,738, C>G. VCF-style: chr2-107862738-C-G. GRCh37 (hg19) VCF-style: chr2-108479194-C-G.
Identifiers: ClinVar variation 4533774 (VCV004533774.6).

ClinVar aggregate classification (germline): Likely benign (1 of 4 stars; one submission).

Submission:

CeGaT Center for Human Genetics Tuebingen
Classification: Likely benign. Last evaluated: 2025-10-01. Review status: criteria provided, single submitter. Criteria: CeGaT Center For Human Genetics Tuebingen Variant Classification Criteria Version 2. Collection method: clinical testing. Allele origin: germline. Affected: yes. Observed: 1 variant allele.
Comment: RGPD4: BP4, BP7